The following is an entry in ClinVar:

NM_182894.3(VSX2):c.15del (p.Glu7fs)

Gene: VSX2 (visual system homeobox 2; plus strand). Cytogenetic location: 14q24.3.
Variant type: Deletion.
Coding change: c.15del on transcript NM_182894.3 (MANE Select); coding-DNA position 15, one base deleted (A; older notation c.15delA).
Protein change: p.Glu7fs; shifts the reading frame from glutamic acid 7.
Molecular consequence: frameshift variant.
Genome position (GRCh38, 1-based): chr14:74,239,576, A deleted. VCF-style (leftmost placement, unchanged base first): chr14-74239575-CA-C. GRCh37 (hg19) VCF-style: chr14-74706278-CA-C.
Other names: short protein forms E7fs.
Identifiers: ClinVar variation 2022813 (VCV002022813.4), dbSNP rs2504945051, ClinGen allele CA2580088705.

ClinVar aggregate classification (germline): Pathogenic (1 of 4 stars; one submission).

Conditions:
Isolated microphthalmia 2. Identifiers: Orphanet 2542, MedGen C1864720, MONDO:0012409, OMIM 610093.

Submission:

Labcorp Genetics (formerly Invitae), Labcorp
Classification: Pathogenic for Isolated microphthalmia 2. Last evaluated: 2022-08-08. Review status: criteria provided, single submitter. Criteria: Invitae Variant Classification Sherloc (09022015). Collection method: clinical testing. Allele origin: germline.
Comment: This sequence change creates a premature translational stop signal (p.Glu7Lysfs*3) in the VSX2 gene. It is expected to result in an absent or disrupted protein product. Loss-of-function variants in VSX2 are known to be pathogenic (PMID: 20414678). For these reasons, this variant has been classified as Pathogenic. This variant has not been reported in the literature in individuals affected with VSX2-related conditions. This variant is not present in population databases (gnomAD no frequency).

Literature cited by the submitters: PubMed 20414678.